The following is an entry in ClinVar:

NM_007347.5(AP4E1):c.3314G>A (p.Arg1105Gln)

Gene: AP4E1 (adaptor related protein complex 4 subunit epsilon 1; plus strand). Cytogenetic location: 15q21.2.
Variant type: single nucleotide variant.
Coding change: c.3314G>A on transcript NM_007347.5 (MANE Select); coding-DNA position 3314, G replaced by A.
Protein change: p.Arg1105Gln; replaces arginine 1105 with glutamine.
Molecular consequence: missense variant.
Genome position (GRCh38, 1-based): chr15:51,002,562, G>A. VCF-style: chr15-51002562-G-A. GRCh37 (hg19) VCF-style: chr15-51294759-G-A.
Other names: c.3089G>A, p.Arg1030Gln (NM_001252127.2); short protein forms R1105Q, R1030Q.
Identifiers: ClinVar variation 527987 (VCV000527987.4), dbSNP rs139640763, ClinGen allele CA7559488.

ClinVar aggregate classification (germline): Uncertain significance (1 of 4 stars; one submission).

Conditions:
Spastic paraplegia. Identifiers: MedGen C0037772, HP:0001258.

Allele frequency attached by ClinVar (database versions not stated): gnomAD exomes 0.00002 and 0.00004; ExAC 0.00003; ESP Exome Variant Server 0.00008; gnomAD 0.00013 and 0.00014; TOPMed 0.00015.
gnomAD v4.1: 49 of 1,614,010 alleles (0.003%); highest among the groups gnomAD compares: African/African-American, 0.04%; no homozygotes.

Submission:

Labcorp Genetics (formerly Invitae), Labcorp
Classification: Uncertain significance for Spastic paraplegia. Last evaluated: 2022-06-13. Review status: criteria provided, single submitter. Criteria: Invitae Variant Classification Sherloc (09022015). Collection method: clinical testing. Allele origin: germline.
Comment: ClinVar contains an entry for this variant (Variation ID: 527987). In summary, the available evidence is currently insufficient to determine the role of this variant in disease. Therefore, it has been classified as a Variant of Uncertain Significance. Algorithms developed to predict the effect of missense changes on protein structure and function are either unavailable or do not agree on the potential impact of this missense change (SIFT: "Deleterious"; PolyPhen-2: "Probably Damaging"; Align-GVGD: "Class C0"). This variant has not been reported in the literature in individuals affected with AP4E1-related conditions. This variant is present in population databases (rs139640763, gnomAD 0.04%). This sequence change replaces arginine, which is basic and polar, with glutamine, which is neutral and polar, at codon 1105 of the AP4E1 protein (p.Arg1105Gln).